The following is an entry in ClinVar:

NM_001099922.3(ALG13):c.2479T>A (p.Cys827Ser)

Gene: ALG13 (ALG13 UDP-N-acetylglucosaminyltransferase subunit; plus strand). Cytogenetic location: Xq23.
Variant type: single nucleotide variant.
Coding change: c.2479T>A on transcript NM_001099922.3 (MANE Select); coding-DNA position 2479, T replaced by A.
Protein change: p.Cys827Ser; replaces cysteine 827 with serine.
Molecular consequence: missense variant. On other transcripts: non-coding transcript variant (1).
Genome position (GRCh38, 1-based): chrX:111,735,072, T>A. VCF-style: chrX-111735072-T-A. GRCh37 (hg19) VCF-style: chrX-110978300-T-A.
Other names: c.2167T>A, p.Cys723Ser (NM_001257230.2, NM_001257234.2, NM_001257237.2); c.2245T>A, p.Cys749Ser (NM_001257231.2); c.2479T>A, p.Cys827Ser (NM_001324292.2); c.1993T>A, p.Cys665Ser (NM_001324293.1); short protein forms C665S, C723S, C749S, C827S.
Identifiers: ClinVar variation 1024251 (VCV001024251.9), dbSNP rs1943106113, ClinGen allele CA414254164.

ClinVar aggregate classification (germline): Uncertain significance (1 of 4 stars; one submission).

Conditions:
Developmental and epileptic encephalopathy, 36 (DEE36). Also called: Congenital disorder of glycosylation, type Is; Epileptic encephalopathy, early infantile, 36; ALG13-CDG. Identifiers: Orphanet 324422, MedGen C4317295, MONDO:0010472, OMIM 300884.

Submission:

Labcorp Genetics (formerly Invitae), Labcorp
Classification: Uncertain significance for Developmental and epileptic encephalopathy, 36. Last evaluated: 2023-12-11. Review status: criteria provided, single submitter. Criteria: Invitae Variant Classification Sherloc (09022015). Collection method: clinical testing. Allele origin: germline.
Comment: This sequence change replaces cysteine, which is neutral and slightly polar, with serine, which is neutral and polar, at codon 827 of the ALG13 protein (p.Cys827Ser). This variant is not present in population databases (gnomAD no frequency). This variant has not been reported in the literature in individuals affected with ALG13-related conditions. ClinVar contains an entry for this variant (Variation ID: 1024251). An algorithm developed to predict the effect of missense changes on protein structure and function (PolyPhen-2) suggests that this variant is likely to be tolerated. In summary, the available evidence is currently insufficient to determine the role of this variant in disease. Therefore, it has been classified as a Variant of Uncertain Significance.